The following is an entry in ClinVar:

NM_000202.8(IDS):c.440_442delinsTT (p.Asp147fs)

Genes: IDS (iduronate 2-sulfatase; minus strand), LOC106050102 (IDS recombination region; plus strand). Cytogenetic location: Xq28.
Variant type: Indel.
Coding change: c.440_442delinsTT on transcript NM_000202.8 (MANE Select); coding-DNA positions 440 to 442, ATG replaced by TT.
Protein change: p.Asp147fs; shifts the reading frame from aspartic acid 147.
Molecular consequence: frameshift variant. On other transcripts: non-coding transcript variant (1).
Genome position (GRCh38, 1-based): chrX:149,501,014-149,501,016, CAT replaced by AA on the plus strand (ATG replaced by TT on the coding strand, the reverse complement: IDS is on the minus strand). VCF-style: chrX-149501014-CAT-AA. GRCh37 (hg19) VCF-style: chrX-148582545-CAT-AA.
Other names: c.170_172delinsTT, p.Asp57fs (NM_001166550.4); c.440_442delinsTT, p.Asp147fs (NM_006123.5); short protein forms D147fs, D57fs.
Identifiers: ClinVar variation 3255727 (VCV003255727.2).

ClinVar aggregate classification (germline): Pathogenic (1 of 4 stars; one submission).

Conditions:
Mucopolysaccharidosis, MPS-II (MPS2). Also called: Hunter Syndrome; IDURONATE 2-SULFATASE DEFICIENCY; Mucopolysaccharidosis Type II; Mucopolysaccharidosis type 2; Attenuated MPS (subtype; formerly known as mild MPS II); Severe MPS II. Identifiers: Orphanet 580, Orphanet 79388, MedGen C0026705, MONDO:0010674, OMIM 309900.

Submission:

Laboratory of Diagnosis and Therapy of Lysosomal Disorders, University of Padova
Classification: Pathogenic for Mucopolysaccharidosis, MPS-II. Last evaluated: 2024-06-07. Review status: criteria provided, single submitter. Criteria: ACMG Guidelines, 2015. Collection method: literature only. Allele origin: germline. Affected: yes. Observed: 1 variant allele.
Comment: Null variant (PVS1_VeryStrong), Absent from controls (or at low frequency) in gnomAD database (PM2_Moderate), Patient’s phenotype or family history highly specific for the disease (PP4_Strong)

Classification method: ACMG Guidelines [PMID:25741868] with modifications

Literature cited by the submitters: PubMed 18500569.